The following is an entry in ClinVar:

ClinVar aggregate classification (germline): Uncertain significance (1 of 4 stars; one submission).

Submission:

GeneDx
Classification: Uncertain significance. Last evaluated: 2024-04-10. Review status: criteria provided, single submitter. Criteria: GeneDx Variant Classification Process June 2021. Collection method: clinical testing. Allele origin: germline. Affected: yes.
Comment: Not observed at significant frequency in large population cohorts (gnomAD); In silico analysis indicates that this missense variant does not alter protein structure/function; Has not been previously published as pathogenic or benign to our knowledge

NM_001005271.3(CHD3):c.164G>C (p.Gly55Ala)

Genes: CHD3 (chromodomain helicase DNA binding protein 3; plus strand), NAA38 (N-alpha-acetyltransferase 38, NatC auxiliary subunit; minus strand). Cytogenetic location: 17p13.1.
Variant type: single nucleotide variant.
Coding change: c.164G>C on transcript NM_001005271.3; coding-DNA position 164, G replaced by C.
Protein change: p.Gly55Ala; replaces glycine 55 with alanine.
Molecular consequence: missense variant. On other transcripts: intron variant (1).
Genome position (GRCh38, 1-based): chr17:7,884,970, G>C. VCF-style: chr17-7884970-G-C. GRCh37 (hg19) VCF-style: chr17-7788288-G-C.
Other names: c.164G>C, p.Gly55Ala (NM_001437504.1, NM_001437507.1, NM_001437508.1 and 1 more transcripts); c.-167+195C>G (NM_001330111.2); short protein forms G55A.
Identifiers: ClinVar variation 3372398 (VCV003372398.1).